The following is an entry in ClinVar:

ClinVar aggregate classification (germline): Likely pathogenic (1 of 4 stars; one submission).

Conditions:
Hereditary spastic paraplegia. Also called: Familial spastic paraparesis. Identifiers: Orphanet 685, MedGen C0037773, MONDO:0019064. Disease mechanism: loss of function.

Submission:

Women's Health and Genetics/Laboratory Corporation of America, LabCorp
Classification: Likely pathogenic for Hereditary spastic paraplegia. Last evaluated: 2023-01-20. Review status: criteria provided, single submitter. Criteria: LabCorp Variant Classification Summary - May 2015. Collection method: clinical testing. Allele origin: germline.
Comment: Variant summary: The variant identified by MLPA or other technology involves the deletion of exons 18-20 in the TECPR2 gene. Since the exact breakpoint at the 3' end of this variant is unknown, therefore this deletion might extend downstream of the assayed region of the gene. A presumed nomenclature of c.(3789+1_3790-1)_(*4225_?)del has been designated for the purposes of this classification. . Although the exact breakpoints of this deletion are not known, it is not expected to cause nonsense mediated decay (NMD), but is predicted to cause a large truncation of the encoded protein (removing amino acids 1264-1411, and likely replacing it with an incorrect sequence), which would remove the 5th (aa 1279-1310) and 6th (aa 1322-1353) TECPR beta-propeller repeats (IPR006624 and UniProt). The variant was absent in 21674 control chromosomes, in the gnomAD database, structural variants dataset. To our knowledge, no occurrence of c.(3789+1_3790-1)_(*4225_?)del in individuals affected with Hereditary Spastic Paraplegia, Type 49 and no experimental evidence demonstrating its impact on protein function have been reported. However, a truncation within the last exon has been reported in two homozygous siblings, who presented with typical phenotype (PMID: 33847017), suggesting a clinical importance for the deleted protein region. No clinical diagnostic laboratories have submitted clinical-significance assessments for this variant to ClinVar after 2014. Based on the evidence outlined above, the variant was classified as likely pathogenic.

NC_000014.8:g.(102931627_102963315)_(102968819_?)del

Gene: TECPR2 (tectonin beta-propeller repeat containing 2; plus strand). Cytogenetic location: 14q32.31.
Variant type: Deletion.
Identifiers: ClinVar variation 2429247 (VCV002429247.3).